The following is an entry in ClinVar:

ClinVar aggregate classification (germline): Likely pathogenic (1 of 4 stars; one submission).

Conditions:
Werner syndrome (WRN). Identifiers: Orphanet 902, MedGen C0043119, MONDO:0010196, OMIM 277700.

Allele frequency attached by ClinVar (database versions not stated): gnomAD exomes 0.00001.
gnomAD v4.1: 3 of 1,611,766 alleles (0.00019%); highest among the groups gnomAD compares: Non-Finnish European, 0.00025%; no homozygotes.

Submission:

Labcorp Genetics (formerly Invitae), Labcorp
Classification: Likely pathogenic for Werner syndrome. Last evaluated: 2024-04-22. Review status: criteria provided, single submitter. Criteria: Invitae Variant Classification Sherloc (09022015). Collection method: clinical testing. Allele origin: germline.
Comment: This sequence change affects an acceptor splice site in intron 13 of the WRN gene. It is expected to disrupt RNA splicing. Variants that disrupt the donor or acceptor splice site typically lead to a loss of protein function (PMID: 16199547), and loss-of-function variants in WRN are known to be pathogenic (PMID: 16673358). This variant is not present in population databases (gnomAD no frequency). This variant has not been reported in the literature in individuals affected with WRN-related conditions. ClinVar contains an entry for this variant (Variation ID: 938374). Algorithms developed to predict the effect of sequence changes on RNA splicing suggest that this variant may disrupt the consensus splice site. In summary, the currently available evidence indicates that the variant is pathogenic, but additional data are needed to prove that conclusively. Therefore, this variant has been classified as Likely Pathogenic.

Literature cited by the submitters: PubMed 16199547; PubMed 16673358.

NM_000553.6(WRN):c.1653-2A>T

Gene: WRN (WRN RecQ like helicase; plus strand). Cytogenetic location: 8p12.
Variant type: single nucleotide variant.
Coding change: c.1653-2A>T on transcript NM_000553.6 (MANE Select); the canonical splice acceptor site of the intron before coding-DNA position 1653, A replaced by T.
Molecular consequence: splice acceptor variant.
Genome position (GRCh38, 1-based): chr8:31,090,463, A>T. VCF-style: chr8-31090463-A-T. GRCh37 (hg19) VCF-style: chr8-30947979-A-T.
Identifiers: ClinVar variation 938374 (VCV000938374.7), dbSNP rs1434118877, ClinGen allele CA370926720.